The following is an entry in ClinVar:

NM_001002294.3(FMO3):c.1222G>T (p.Asp408Tyr)

Gene: FMO3 (flavin containing dimethylaniline monoxygenase 3; plus strand). Cytogenetic location: 1q24.3.
Variant type: single nucleotide variant.
Coding change: c.1222G>T on transcript NM_001002294.3 (MANE Select); coding-DNA position 1222, G replaced by T.
Protein change: p.Asp408Tyr; replaces aspartic acid 408 with tyrosine.
Molecular consequence: missense variant.
Genome position (GRCh38, 1-based): chr1:171,116,246, G>T. VCF-style: chr1-171116246-G-T. GRCh37 (hg19) VCF-style: chr1-171085386-G-T.
Other names: c.1162G>T, p.Asp388Tyr (NM_001319173.2); c.1033G>T, p.Asp345Tyr (NM_001319174.2); c.1222G>T, p.Asp408Tyr (NM_006894.6); short protein forms D345Y, D388Y, D408Y.
Identifiers: ClinVar variation 874973 (VCV000874973.7), dbSNP rs141280604, ClinGen allele CA1240773.

ClinVar aggregate classification (germline): Conflicting classifications of pathogenicity. Review status: criteria provided, conflicting classifications (1 of 4 stars). 4 submissions from 4 submitters: Likely pathogenic (1); Uncertain significance (3). Last evaluated 2026-09-24.

Conditions:
FMO3-related disorder. Also called: FMO3-related condition.
FMO3-related disorders.
Trimethylaminuria (TMAU). Also called: Fish malodor syndrome; Stale fish syndrome; TMAuria; Primary Trimethylaminuria; FISH-ODOR SYNDROME. Identifiers: MedGen C0342739, MONDO:0011182, OMIM 602079, HP:0003614. Disease mechanism: loss of function.

Allele frequency attached by ClinVar (database versions not stated): TOPMed 0.00026; gnomAD 0.00029; gnomAD exomes 0.00040; ExAC 0.00043; ESP Exome Variant Server 0.00062.
gnomAD v4.1: 462 of 1,605,088 alleles (0.029%); highest among the groups gnomAD compares: Non-Finnish European, 0.03%; no homozygotes.

Submissions (4):

PreventionGenetics, part of Exact Sciences
Classification: Uncertain significance for FMO3-related condition. Last evaluated: 2026-09-24. Review status: criteria provided, single submitter. Criteria: ACMG Guidelines, 2015. Collection method: clinical testing. Allele origin: germline.
Comment: The FMO3 c.1222G>T variant is predicted to result in the amino acid substitution p.Asp408Tyr. To our knowledge, this variant has not been reported in the literature. This variant is reported in 0.16% of alleles in individuals of European (Finnish) descent in gnomAD. At this time, the clinical significance of this variant is uncertain due to the absence of conclusive functional and genetic evidence.

Blueprint Genetics
Classification: Likely pathogenic for FMO3-related disorders. Last evaluated: 2024-11-19. Review status: criteria provided, single submitter. Criteria: ACMG Guidelines, 2015. Collection method: clinical testing. Allele origin: germline. Affected: yes. Observed: 5 variant alleles.

Clinical Genetics Laboratory, Skane University Hospital Lund
Classification: Uncertain significance. Last evaluated: 2024-02-19. Review status: criteria provided, single submitter. Criteria: ACMG Guidelines, 2015. Collection method: clinical testing. Allele origin: germline. Affected: yes.

Illumina Laboratory Services, Illumina
Classification: Uncertain significance for Trimethylaminuria. Last evaluated: 2017-04-27. Review status: criteria provided, single submitter. Criteria: ICSL Variant Classification Criteria 13 December 2019. Collection method: clinical testing. Allele origin: germline.